The following is an entry in ClinVar:

ClinVar aggregate classification (germline): Uncertain significance (1 of 4 stars; one submission).

gnomAD v4.1: 7 of 1,614,154 alleles (0.00043%); highest among the groups gnomAD compares: Admixed American, 0.0017%; no homozygotes.

Submission:

Labcorp Genetics (formerly Invitae), Labcorp
Classification: Uncertain significance. Last evaluated: 2024-04-09. Review status: criteria provided, single submitter. Criteria: Invitae Variant Classification Sherloc (09022015). Collection method: clinical testing. Allele origin: germline.
Comment: This sequence change replaces aspartic acid, which is acidic and polar, with glycine, which is neutral and non-polar, at codon 1246 of the DISP1 protein (p.Asp1246Gly). This variant is present in population databases (rs764362546, gnomAD 0.0009%). This variant has not been reported in the literature in individuals affected with DISP1-related conditions. Algorithms developed to predict the effect of missense changes on protein structure and function output the following: SIFT: "Not Available"; PolyPhen-2: "Benign"; Align-GVGD: "Not Available". The glycine amino acid residue is found in multiple mammalian species, which suggests that this missense change does not adversely affect protein function. In summary, the available evidence is currently insufficient to determine the role of this variant in disease. Therefore, it has been classified as a Variant of Uncertain Significance.

NM_001377229.1(DISP1):c.3737A>G (p.Asp1246Gly)

Gene: DISP1 (dispatched RND transporter family member 1; plus strand). Cytogenetic location: 1q41.
Variant type: single nucleotide variant.
Coding change: c.3737A>G on transcript NM_001377229.1 (MANE Select); coding-DNA position 3737, A replaced by G.
Protein change: p.Asp1246Gly; replaces aspartic acid 1246 with glycine.
Molecular consequence: missense variant.
Genome position (GRCh38, 1-based): chr1:223,005,134, A>G. VCF-style: chr1-223005134-A-G. GRCh37 (hg19) VCF-style: chr1-223178476-A-G.
Other names: c.3008A>G, p.Asp1003Gly (NM_001350630.2); c.3737A>G, p.Asp1246Gly (NM_001369594.1, NM_001377228.1, NM_032890.5); short protein forms D1246G, D1003G.
Identifiers: ClinVar variation 3681205 (VCV003681205.2).